The following is an entry in ClinVar:

NM_007254.4(PNKP):c.130C>T (p.Arg44Trp)

Gene: PNKP (polynucleotide kinase 3'-phosphatase; minus strand). Cytogenetic location: 19q13.33.
Variant type: single nucleotide variant.
Coding change: c.130C>T on transcript NM_007254.4 (MANE Select); coding-DNA position 130, C replaced by T.
Protein change: p.Arg44Trp; replaces arginine 44 with tryptophan.
Molecular consequence: missense variant.
Genome position (GRCh38, 1-based): chr19:49,867,075, G>A on the plus strand (C>T on the coding strand, the complement: PNKP is on the minus strand). VCF-style: chr19-49867075-G-A. GRCh37 (hg19) VCF-style: chr19-50370332-G-A.
Other names: short protein forms R44W.
Identifiers: ClinVar variation 1307736 (VCV001307736.2), dbSNP rs374921362, ClinGen allele CA406893410.

ClinVar aggregate classification (germline): Uncertain significance (1 of 4 stars; one submission).

gnomAD v4.1: 2 of 1,613,926 alleles (0.00012%); highest among the groups gnomAD compares: African/African-American, 0.0027%; no homozygotes.

Submission:

GeneDx
Classification: Uncertain significance. Last evaluated: 2019-03-14. Review status: criteria provided, single submitter. Criteria: GeneDx Variant Classification Process June 2021. Collection method: clinical testing. Allele origin: germline. Affected: yes.
Comment: Not observed in large population cohorts (Lek et al., 2016); In silico analysis, which includes protein predictors and evolutionary conservation, supports a deleterious effect; Has not been previously published as pathogenic or benign to our knowledge